The following is an entry in ClinVar:

NM_006015.6(ARID1A):c.5259_5262dup (p.Ser1755delinsValTer)

Gene: ARID1A (AT-rich interaction domain 1A; plus strand). Cytogenetic location: 1p36.11.
Variant type: Duplication.
Coding change: c.5259_5262dup on transcript NM_006015.6 (MANE Select); coding-DNA positions 5259 to 5262, 4 bases duplicated (GTCT; older notation c.5259_5262dupGTCT).
Protein change: p.Ser1755delinsValTer.
Molecular consequence: nonsense.
Genome position (GRCh38, 1-based): chr1:26,779,157-26,779,160, GTCT duplicated; duplicating any 4 consecutive bases within chr1:26,779,156-26,779,160 gives the same sequence; the c. name uses the placement nearest the transcript's 3' end. VCF-style (leftmost placement, unchanged base first): chr1-26779155-G-GTGTC. GRCh37 (hg19) VCF-style: chr1-27105646-G-GTGTC.
Other names: c.4608_4611dup, p.Ser1538delinsValTer (NM_139135.4).
Identifiers: ClinVar variation 3906955 (VCV003906955.1).

ClinVar aggregate classification (germline): Pathogenic (1 of 4 stars; one submission).

Conditions:
Intellectual disability, autosomal dominant 14 (CSS2). Also called: COFFIN-SIRIS SYNDROME 2. Identifiers: Orphanet 1465, MedGen C3553247, MONDO:0013819, OMIM 614607.

Submission:

Center for Medical Genetics, Keio University School of Medicine
Classification: Pathogenic for Intellectual disability, autosomal dominant 14. Last evaluated: 2023-09-01. Review status: criteria provided, single submitter. Criteria: ACMG Guidelines, 2015. Collection method: research. Allele origin: de novo. Inheritance: Autosomal dominant inheritance. Affected: yes. Observed: 1 heterozygote.
Comment: The NM_006015.6:c.5259_5262dupGTCT (p.Ser1755Valfs*2) variant is a frameshift variant in the ARID1A gene, resulting in a premature stop codon two amino acids downstream. This variant is located in the last exon of the gene, and RNA-seq analysis confirmed that nonsense-mediated mRNA decay (NMD) is avoided. Therefore, this variant is expected to lead to the production of a truncated protein with loss of function (PVS1). The variant was identified through trio-based exome sequencing, and was confirmed to be de novo by both exome and Sanger sequencing (PS2). This variant is absent from large population databases, including gnomAD v2.1.1, suggesting it is extremely rare (PM2). In addition, functional evidence supports a deleterious impact on gene function, consistent with the known loss-of-function disease mechanism associated with ARID1A-related disorders (internal data) (PS3). In summary, this variant meets criteria to be classified as Pathogenic based on the ACMG/AMP guidelines: PVS1, PS2, PS3, PM2.